The following is an entry in ClinVar:

NM_001211.6(BUB1B):c.2437G>C (p.Glu813Gln)

Gene: BUB1B (BUB1 mitotic checkpoint serine/threonine kinase B; plus strand). Cytogenetic location: 15q15.1.
Variant type: single nucleotide variant.
Coding change: c.2437G>C on transcript NM_001211.6 (MANE Select); coding-DNA position 2437, G replaced by C.
Protein change: p.Glu813Gln; replaces glutamic acid 813 with glutamine.
Molecular consequence: missense variant.
Genome position (GRCh38, 1-based): chr15:40,212,550, G>C. VCF-style: chr15-40212550-G-C. GRCh37 (hg19) VCF-style: chr15-40504751-G-C.
Other names: short protein forms E813Q.
Identifiers: ClinVar variation 1791245 (VCV001791245.5), dbSNP rs2037727422, ClinGen allele CA391695208.

ClinVar aggregate classification (germline): Uncertain significance. Review status: criteria provided, multiple submitters, no conflicts (2 of 4 stars). 2 submissions from 2 submitters: Uncertain significance (2). Last evaluated 2023-12-15.

Conditions:
Mosaic variegated aneuploidy syndrome 1 (MVA1). Also called: Warburton-Anyane-Yeboa syndrome. Identifiers: Orphanet 1052, MedGen C1850343, MONDO:0009759, OMIM 257300.
Inborn genetic diseases. Identifiers: MedGen C0950123, MeSH D030342.

Allele frequency attached by ClinVar (database versions not stated): gnomAD exomes below 0.00001; TOPMed 0.00001.
gnomAD v4.1: 1 of 1,613,034 alleles (0.000062%); highest among the groups gnomAD compares: Non-Finnish European, 0.000085%; no homozygotes.

Submissions (2):

Labcorp Genetics (formerly Invitae), Labcorp
Classification: Uncertain significance for Mosaic variegated aneuploidy syndrome 1. Last evaluated: 2023-12-15. Review status: criteria provided, single submitter. Criteria: Invitae Variant Classification Sherloc (09022015). Collection method: clinical testing. Allele origin: germline.
Comment: This sequence change replaces glutamic acid, which is acidic and polar, with glutamine, which is neutral and polar, at codon 813 of the BUB1B protein (p.Glu813Gln). This variant is not present in population databases (gnomAD no frequency). This variant has not been reported in the literature in individuals affected with BUB1B-related conditions. ClinVar contains an entry for this variant (Variation ID: 1791245). An algorithm developed to predict the effect of missense changes on protein structure and function (PolyPhen-2) suggests that this variant is likely to be disruptive. In summary, the available evidence is currently insufficient to determine the role of this variant in disease. Therefore, it has been classified as a Variant of Uncertain Significance.

Ambry Genetics
Classification: Uncertain significance for Inborn genetic diseases. Last evaluated: 2021-09-14. Review status: criteria provided, single submitter. Criteria: Ambry Variant Classification Scheme 2023. Collection method: clinical testing. Allele origin: germline.
Comment: The p.E813Q variant (also known as c.2437G>C), located in coding exon 19 of the BUB1B gene, results from a G to C substitution at nucleotide position 2437. The glutamic acid at codon 813 is replaced by glutamine, an amino acid with highly similar properties. This amino acid position is conserved. In addition, this alteration is predicted to be tolerated by in silico analysis. Since supporting evidence is limited at this time, the clinical significance of this alteration remains unclear.